The following is an entry in ClinVar:

ClinVar aggregate classification (germline): Pathogenic. Review status: reviewed by expert panel (3 of 4 stars). 21 submissions from 19 submitters: Pathogenic (1). 20 of the submissions do not count toward it. Last evaluated 2017-03-17.

Conditions:
CFTR-related disorder (CFTR-RD). Also called: CFTR-related condition; CFTR-related disorders. Identifiers: MedGen C5924204, MONDO:7770004.
Cystic fibrosis diagnostic test.
Cystic fibrosis (CF). Also called: MUCOVISCIDOSIS. Identifiers: Orphanet 586, MedGen C0010674, MONDO:0009061, OMIM 219700. Disease mechanism: loss of function.
Congenital bilateral aplasia of vas deferens from CFTR mutation (CBAVD). Identifiers: Orphanet 48, MedGen C0403814, MONDO:0010178, OMIM 277180. Disease mechanism: loss of function.
Hereditary pancreatitis (PCTT). Also called: Hereditary chronic pancreatitis; PRSS1-Related Hereditary Pancreatitis. Identifiers: Orphanet 676, MedGen C0238339, MONDO:0008185, OMIM 167800.
Bronchiectasis with or without elevated sweat chloride 1 (BESC1). Also called: Cystic Fibrosis-Like Syndrome. Identifiers: Orphanet 60033, MedGen C2749757, MONDO:0008887, OMIM 211400.

Allele frequency attached by ClinVar (database versions not stated): TOPMed 0.00001; gnomAD exomes 0.00007 and 0.00002; gnomAD 0.00001; ExAC 0.00002.
gnomAD v4.1: 95 of 1,611,422 alleles (0.0059%); highest among the groups gnomAD compares: Non-Finnish European, 0.008%; no homozygotes.

Submissions 1 to 14 of 21:

CFTR2
Classification: Pathogenic for Cystic fibrosis. Last evaluated: 2017-03-17. Review status: reviewed by expert panel. Criteria: Sosnay PR et al. (Nat Genet 2013). Collection method: research. Allele origin: germline. Affected: yes. Study: CFTR2.

Natera, Inc.
Classification: Pathogenic for CFTR-related disorders. Last evaluated: 2025-12-24. Review status: criteria provided, single submitter. Criteria: Natera Variant Classification Schema (03/2026). Collection method: clinical testing. Allele origin: germline. Not counted in ClinVar's aggregate classification.
Comment: The c.1477C>T variant in CFTR is a nonsense variant predicted to introduce a stop codon at amino acid 493. This variant is expected to result in nonsense mediated decay, truncation, or a dysfunctional protein product. This variant is rare in the general population with a frequency below the threshold expected for the associated phenotype(s). This variant has been observed in one or more individuals affected with the associated recessive disease, as either homozygous or compound heterozygous with a second variant (PMID: 9623398, 9294121). Given the available evidence, this variant is classified as Pathogenic.

Labcorp Genetics (formerly Invitae), Labcorp
Classification: Pathogenic for Cystic fibrosis. Last evaluated: 2025-11-18. Review status: criteria provided, single submitter. Criteria: Invitae Variant Classification Sherloc (09022015). Collection method: clinical testing. Allele origin: germline. Not counted in ClinVar's aggregate classification.
Comment: This sequence change creates a premature translational stop signal (p.Gln493*) in the CFTR gene. It is expected to result in an absent or disrupted protein product. Loss-of-function variants in CFTR are known to be pathogenic (PMID: 1695717, 7691345, 9725922). This variant is present in population databases (rs77101217, gnomAD 0.005%). This premature translational stop signal has been observed in individual(s) with cystic fibrosis (PMID: 1376016, 2236053, 12815607, 21184098, 21858268, 23974870). ClinVar contains an entry for this variant (Variation ID: 7107). For these reasons, this variant has been classified as Pathogenic.

NHS Central & South Genomic Laboratory Hub
Classification: Pathogenic for Cystic fibrosis diagnostic test. Last evaluated: 2025-10-21. Review status: criteria provided, single submitter. Criteria: ACMG Guidelines, 2015. Collection method: clinical testing. Allele origin: germline. Affected: yes. Not counted in ClinVar's aggregate classification.

Ambry Genetics
Classification: Pathogenic for Cystic fibrosis. Last evaluated: 2025-10-06. Review status: criteria provided, single submitter. Criteria: Ambry Variant Classification Scheme 2023. Collection method: clinical testing. Allele origin: germline. Not counted in ClinVar's aggregate classification.
Comment: The p.Q493* pathogenic mutation (also known as c.1477C>T), located in coding exon 11 of the CFTR gene, results from a C to T substitution at nucleotide position 1477. This changes the amino acid from a glutamine to a stop codon within coding exon 11. This variant has been identified in the homozygous state and/or in conjunction with other CFTR variant(s) in individual(s) with features consistent with cystic fibrosis (Kerem BS et al. Proc. Natl. Acad. Sci. U.S.A., 1990 Nov;87:8447-51; Steiner B et al. Hum. Mutat., 2011 Aug;32:912-20). This variant is associated with pancreatic insufficiency, pulmonary disease, and elevated sweat chloride levels (Sosnay PR et al. Nat. Genet., 2013 Oct;45:1160-7). This alteration is expected to result in loss of function by premature protein truncation or nonsense-mediated mRNA decay. As such, this alteration is interpreted as a disease-causing mutation.

ARUP Laboratories, Molecular Genetics and Genomics, ARUP Laboratories
Classification: Pathogenic for Cystic fibrosis. Last evaluated: 2025-05-08. Review status: criteria provided, single submitter. Criteria: ARUP Molecular Germline Variant Investigation Process 2024. Collection method: clinical testing. Allele origin: germline. Not counted in ClinVar's aggregate classification.
Comment: The CFTR c.1477C>T; p.Gln493Ter variant (rs77101217) has been reported in cystic fibrosis patients, often associated with pancreatic insufficiency (CFTR2 database, Kerem 1990, Ooi 2012, Sosnay 2013). This variant is also reported in ClinVar (Variation ID: 7107). It is only found on six alleles in the Genome Aggregation Database (v2.1.1), indicating it is not a common polymorphism. This variant induces an early termination codon and is predicted to result in a truncated protein or mRNA subject to nonsense-mediated decay. Based on available information, this variant is considered to be pathogenic. References: CFTR2 database: Kerem BS et al. Identification of mutations in regions corresponding to the two putative nucleotide (ATP)-binding folds of the cystic fibrosis gene. Proc Natl Acad Sci U S A. 1990 Nov;87(21):8447-51. PMID: 2236053. Ooi CY et al. Cystic fibrosis transmembrane conductance regulator (CFTR) gene mutations in pancreatitis. J Cyst Fibros. 2012 Sep;11(5):355-62. PMID: 22658665. Sosnay PR et al. Defining the disease liability of variants in the cystic fibrosis transmembrane conductance regulator gene. Nat Genet. 2013 Oct;45(10):1160-7. PMID: 23974870.

Victorian Clinical Genetics Services, Murdoch Childrens Research Institute
Classification: Pathogenic for Cystic fibrosis. Last evaluated: 2024-10-09. Review status: criteria provided, single submitter. Criteria: ACMG Guidelines, 2015. Collection method: clinical testing. Allele origin: germline. Affected: no. Not counted in ClinVar's aggregate classification.
Comment: This variant is classified as Pathogenic. Evidence in support of pathogenic classification: Variant is predicted to cause nonsense-mediated decay (NMD) and loss of protein (premature termination codon is located at least 54 nucleotides upstream of the final exon-exon junction); Variant is present in gnomAD (v2) <0.01 for a recessive condition (6 heterozygotes, 0 homozygotes); This variant has strong previous evidence of pathogenicity in unrelated individuals. It has been classified as pathogenic by an expert panel (ClinVar); Other premature termination variants comparable to the one identified in this case have very strong previous evidence for pathogenicity. Many NMD-predicted variants have been reported as likely pathogenic/pathogenic in this gene (ClinVar). Additional information: This variant is heterozygous; This gene is associated with autosomal recessive disease; Loss of function is a known mechanism of disease in this gene and is associated with cystic fibrosis (MIM#219700).

Baylor Genetics
Classification: Pathogenic for Bronchiectasis with or without elevated sweat chloride 1. Last evaluated: 2024-03-19. Review status: criteria provided, single submitter. Criteria: ACMG Guidelines, 2015. Collection method: clinical testing. Allele origin: unknown. Not counted in ClinVar's aggregate classification.

Fulgent Genetics
Classification: Pathogenic for Hereditary pancreatitis; Bronchiectasis with or without elevated sweat chloride 1; Cystic fibrosis; Congenital bilateral aplasia of vas deferens from CFTR mutation. Last evaluated: 2024-03-17. Review status: criteria provided, single submitter. Criteria: ACMG Guidelines, 2015. Collection method: clinical testing. Allele origin: germline. Not counted in ClinVar's aggregate classification.

Revvity Omics, Revvity
Classification: Pathogenic. Last evaluated: 2022-08-10. Review status: criteria provided, single submitter. Criteria: ACMG Guidelines, 2015. Collection method: clinical testing. Allele origin: germline. Not counted in ClinVar's aggregate classification.

MGZ Medical Genetics Center
Classification: Pathogenic for Congenital bilateral aplasia of vas deferens from CFTR mutation. Last evaluated: 2021-12-23. Review status: criteria provided, single submitter. Criteria: ACMG Guidelines, 2015. Collection method: clinical testing. Allele origin: germline. Affected: yes. Observed: 1 variant allele. Not counted in ClinVar's aggregate classification.
Comment: ACMG criteria applied: PVS1, PM3_STR, PS4_MOD, PM2_SUP

Mayo Clinic Laboratories, Mayo Clinic
Classification: Pathogenic. Last evaluated: 2021-04-08. Review status: criteria provided, single submitter. Criteria: ACMG Guidelines, 2015. Collection method: clinical testing. Allele origin: germline. Not counted in ClinVar's aggregate classification.

Baylor Genetics
Classification: Pathogenic for Cystic fibrosis. Last evaluated: 2021-02-19. Review status: criteria provided, single submitter. Criteria: ACMG Guidelines, 2015. Collection method: clinical testing. Allele origin: unknown. Not counted in ClinVar's aggregate classification.

Johns Hopkins Genomics, Johns Hopkins University
Classification: Pathogenic for Cystic fibrosis. Last evaluated: 2020-04-22. Review status: criteria provided, single submitter. Criteria: ACMG Guidelines, 2015. Collection method: clinical testing. Allele origin: germline. Not counted in ClinVar's aggregate classification.
Comment: Disease-causing CFTR variant. See CFTR2 for phenotype information.

NM_000492.4(CFTR):c.1477C>T (p.Gln493Ter)

Genes: CFTR-AS1 (CFTR antisense RNA 1; minus strand), CFTR (CF transmembrane conductance regulator; plus strand). Cytogenetic location: 7q31.2.
Variant type: single nucleotide variant.
Coding change: c.1477C>T on transcript NM_000492.4 (MANE Select); coding-DNA position 1477, C replaced by T.
Protein change: p.Gln493Ter; replaces glutamine 493 with a stop codon.
Molecular consequence: nonsense.
Genome position (GRCh38, 1-based): chr7:117,559,548, C>T. VCF-style: chr7-117559548-C-T. GRCh37 (hg19) VCF-style: chr7-117199602-C-T.
Other names: short protein forms Q493*.
Identifiers: ClinVar variation 7107 (VCV000007107.54), dbSNP rs77101217, ClinGen allele CA325518.